The following is an entry in ClinVar:

ClinVar aggregate classification (germline): Uncertain significance (1 of 4 stars; one submission).

Conditions:
Developmental and epileptic encephalopathy 94 (DEE94). Also called: CHD2-Related Neurodevelopmental Disorders; Epileptic encephalopathy, childhood-onset. Identifiers: Orphanet 1942, Orphanet 2382, MedGen C3809278, MONDO:0014150, OMIM 615369.

Submission:

Labcorp Genetics (formerly Invitae), Labcorp
Classification: Uncertain significance for Developmental and epileptic encephalopathy 94. Last evaluated: 2024-11-04. Review status: criteria provided, single submitter. Criteria: Invitae Variant Classification Sherloc (09022015). Collection method: clinical testing. Allele origin: germline.
Comment: This sequence change replaces lysine, which is basic and polar, with glutamic acid, which is acidic and polar, at codon 1243 of the CHD2 protein (p.Lys1243Glu). This variant is not present in population databases (gnomAD no frequency). This variant has not been reported in the literature in individuals affected with CHD2-related conditions. ClinVar contains an entry for this variant (Variation ID: 2700846). Invitae Evidence Modeling of protein sequence and biophysical properties (such as structural, functional, and spatial information, amino acid conservation, physicochemical variation, residue mobility, and thermodynamic stability) indicates that this missense variant is not expected to disrupt CHD2 protein function with a negative predictive value of 95%. In summary, the available evidence is currently insufficient to determine the role of this variant in disease. Therefore, it has been classified as a Variant of Uncertain Significance.

NM_001271.4(CHD2):c.3727A>G (p.Lys1243Glu)

Gene: CHD2 (chromodomain helicase DNA binding protein 2; plus strand). Cytogenetic location: 15q26.1.
Variant type: single nucleotide variant.
Coding change: c.3727A>G on transcript NM_001271.4 (MANE Select); coding-DNA position 3727, A replaced by G.
Protein change: p.Lys1243Glu; replaces lysine 1243 with glutamic acid.
Molecular consequence: missense variant.
Genome position (GRCh38, 1-based): chr15:92,997,088, A>G. VCF-style: chr15-92997088-A-G. GRCh37 (hg19) VCF-style: chr15-93540318-A-G.
Other names: short protein forms K1243E.
Identifiers: ClinVar variation 2700846 (VCV002700846.3), dbSNP rs2505589958, ClinGen allele CA393898125.